The following is an entry in ClinVar:

NM_001267550.2(TTN):c.1537-2A>G

Gene: TTN (titin; minus strand). Cytogenetic location: 2q31.2.
Variant type: single nucleotide variant.
Coding change: c.1537-2A>G on transcript NM_001267550.2 (MANE Select); the canonical splice acceptor site of the intron before coding-DNA position 1537, A replaced by G.
Molecular consequence: splice acceptor variant.
Genome position (GRCh38, 1-based): chr2:178,792,199, T>C on the plus strand (A>G on the coding strand, the complement: TTN is on the minus strand). VCF-style: chr2-178792199-T-C. GRCh37 (hg19) VCF-style: chr2-179656926-T-C.
Other names: c.1537-2A>G (NM_003319.4, NM_133437.4, NM_133432.3 and 3 more transcripts).
Identifiers: ClinVar variation 1483897 (VCV001483897.6), dbSNP rs749182164, ClinGen allele CA2006014.

ClinVar aggregate classification (germline): Uncertain significance. Review status: criteria provided, multiple submitters, no conflicts (2 of 4 stars). 3 submissions from 3 submitters: Uncertain significance (3). Last evaluated 2025-10-22.

Conditions:
Early-onset myopathy with fatal cardiomyopathy (CMYO5). Also called: Salih Myopathy; CONGENITAL MYOPATHY 5 WITH CARDIOMYOPATHY. Identifiers: Orphanet 289377, MedGen C2673677, MONDO:0012714, OMIM 611705. Disease mechanism: loss of function.
Hypertrophic cardiomyopathy 9. Also called: Familial hypertrophic cardiomyopathy 9. Identifiers: MedGen C1861065, MONDO:0013412, OMIM 613765.
Myopathy, myofibrillar, 9, with early respiratory failure (MFM9). Also called: Hereditary myopathy with early respiratory failure; EDSTROM MYOPATHY; MYOPATHY, PROXIMAL, WITH EARLY RESPIRATORY MUSCLE INVOLVEMENT; Myopathy, distal, with early respiratory failure, autosomal dominant. Identifiers: Orphanet 178464, Orphanet 34521, MedGen C1863599, MONDO:0011362, OMIM 603689.
Tibial muscular dystrophy (TMD). Also called: Tibial muscular dystrophy, tardive; UDD MYOPATHY; Udd Distal Myopathy – Tibial Muscular Dystrophy. Identifiers: Orphanet 609, MedGen C1838244, MONDO:0010870, OMIM 600334.
Dilated cardiomyopathy 1G (CMD1G). Identifiers: Orphanet 154, MedGen C1858763, MONDO:0011400, OMIM 604145.
Autosomal recessive limb-girdle muscular dystrophy type 2J (LGMDR10). Also called: Limb-girdle muscular dystrophy, type 2J; MUSCULAR DYSTROPHY, LIMB-GIRDLE, AUTOSOMAL RECESSIVE 10. Identifiers: Orphanet 140922, MedGen C1837342, MONDO:0012127, OMIM 608807.
Cardiovascular phenotype. Identifiers: MedGen CN230736.

Allele frequency attached by ClinVar (database versions not stated): gnomAD exomes 0.00001; ExAC 0.00002.
gnomAD v4.1: 7 of 1,603,432 alleles (0.00044%); highest among the groups gnomAD compares: South Asian, 0.008%; no homozygotes.

Submissions (3):

Ambry Genetics
Classification: Uncertain significance for Cardiovascular phenotype. Last evaluated: 2025-10-22. Review status: criteria provided, single submitter. Criteria: Ambry Variant Classification Scheme 2023. Collection method: clinical testing. Allele origin: germline.
Comment: The c.1537-2A>G intronic variant results from an A to G substitution two nucleotides upstream from coding exon 9 in the TTN gene. This exon is located in the Z-disk region of the N2-B isoform of the titin protein and is constitutively expressed in TTN transcripts (percent spliced in or PSI 100%). This nucleotide position is highly conserved in available vertebrate species. In silico splice site analysis predicts that this alteration will weaken the native splice acceptor site and may result in the creation or strengthening of a novel splice acceptor site. This variant disrupts the canonical splice site and is expected to cause aberrant splicing. However, although direct evidence is unavailable, this alteration is predicted to result in an in-frame transcript that is not expected to trigger nonsense-mediated mRNA decay. The exact functional effect of the predicted splice impact is unknown. Based on the available evidence, the clinical significance of this variant remains unclear.

Fulgent Genetics
Classification: Uncertain significance for Tibial muscular dystrophy; Myopathy, myofibrillar, 9, with early respiratory failure; Dilated cardiomyopathy 1G; Autosomal recessive limb-girdle muscular dystrophy type 2J; Early-onset myopathy with fatal cardiomyopathy; Hypertrophic cardiomyopathy 9. Last evaluated: 2021-07-28. Review status: criteria provided, single submitter. Criteria: ACMG Guidelines, 2015. Collection method: clinical testing. Allele origin: unknown.

Labcorp Genetics (formerly Invitae), Labcorp
Classification: Uncertain significance for Dilated cardiomyopathy 1G; Autosomal recessive limb-girdle muscular dystrophy type 2J. Last evaluated: 2021-07-13. Review status: criteria provided, single submitter. Criteria: Invitae Variant Classification Sherloc (09022015). Collection method: clinical testing. Allele origin: germline.
Comment: In summary, the available evidence is currently insufficient to determine the role of this variant in disease. Therefore, it has been classified as a Variant of Uncertain Significance. This variant is located in the Z band of TTN (PMID: 25589632). Variants in this region may be clinically relevant, but have not been definitively shown to cause cardiomyopathy or neuromuscular disease (PMID: 27493940, 32778822). This variant has not been reported in the literature in individuals affected with TTN-related conditions. This variant is present in population databases (rs749182164, ExAC 0.01%). This sequence change affects an acceptor splice site in intron 9 of the TTN gene. It is expected to disrupt RNA splicing and likely results in a truncated or disrupted TTN protein.

Literature cited by the submitters: PubMed 25589632 (cited by Labcorp Genetics (formerly Invitae), Labcorp); PubMed 27493940 (cited by Labcorp Genetics (formerly Invitae), Labcorp); PubMed 32778822 (cited by Labcorp Genetics (formerly Invitae), Labcorp).